The following is an entry in ClinVar:

NM_018706.7(DHTKD1):c.2184C>T (p.Asp728=)

Gene: DHTKD1 (dehydrogenase E1 and transketolase domain containing 1; plus strand). Cytogenetic location: 10p14.
Variant type: single nucleotide variant.
Coding change: c.2184C>T on transcript NM_018706.7 (MANE Select); coding-DNA position 2184, C replaced by T.
Protein change: p.Asp728=; no amino-acid change (aspartic acid 728 retained).
Molecular consequence: synonymous variant.
Genome position (GRCh38, 1-based): chr10:12,112,929, C>T. VCF-style: chr10-12112929-C-T. GRCh37 (hg19) VCF-style: chr10-12154928-C-T.
Identifiers: ClinVar variation 733551 (VCV000733551.29), dbSNP rs142017323, ClinGen allele CA5408172.

ClinVar aggregate classification (germline): Benign/Likely benign. Review status: criteria provided, multiple submitters, no conflicts (2 of 4 stars). 6 submissions from 6 submitters: Benign (1); Likely benign (4). 1 of the submissions does not count toward it. Last evaluated 2026-05-04.

Conditions:
DHTKD1-related disorder. Also called: DHTKD1-related condition.
2-aminoadipic 2-oxoadipic aciduria (AAKAD). Also called: Aminoadipic aciduria; ALPHA-AMINOADIPIC AND ALPHA-KETOADIPIC ACIDURIA. Identifiers: Orphanet 79154, MedGen C1859817, MONDO:0008774, OMIM 204750.

Allele frequency attached by ClinVar (database versions not stated): gnomAD exomes 0.00018 and 0.00033; 1000 Genomes Project 30x 0.00031; 1000 Genomes Project 0.00040; ExAC 0.00042; TOPMed 0.00126; gnomAD 0.00128 and 0.00142; ESP Exome Variant Server 0.00131.
gnomAD v4.1: 474 of 1,611,274 alleles (0.029%); highest among the groups gnomAD compares: African/African-American, 0.4%; 2 homozygotes.

Submissions (6):

Women's Health and Genetics/Laboratory Corporation of America, LabCorp
Classification: Likely benign. Last evaluated: 2026-05-04. Review status: criteria provided, single submitter. Criteria: LabCorp Variant Classification Summary - May 2015. Collection method: clinical testing. Allele origin: germline.

Labcorp Genetics (formerly Invitae), Labcorp
Classification: Benign for 2-aminoadipic 2-oxoadipic aciduria. Last evaluated: 2025-08-11. Review status: criteria provided, single submitter. Criteria: Invitae Variant Classification Sherloc (09022015). Collection method: clinical testing. Allele origin: germline.

CeGaT Center for Human Genetics Tuebingen
Classification: Likely benign. Last evaluated: 2025-07-01. Review status: criteria provided, single submitter. Criteria: CeGaT Center For Human Genetics Tuebingen Variant Classification Criteria Version 2. Collection method: clinical testing. Allele origin: germline. Affected: yes. Observed: 1 variant allele.
Comment: DHTKD1: BP4, BP7

Blueprint Genetics
Classification: Likely benign. Last evaluated: 2023-12-27. Review status: criteria provided, single submitter. Criteria: ACMG Guidelines, 2015. Collection method: clinical testing. Allele origin: germline.

ARUP Laboratories, Molecular Genetics and Genomics, ARUP Laboratories
Classification: Likely benign. Last evaluated: 2019-12-18. Review status: criteria provided, single submitter. Criteria: ARUP Molecular Germline Variant Investigation Process. Collection method: clinical testing. Allele origin: germline.

PreventionGenetics, part of Exact Sciences
Classification: Likely benign for DHTKD1-related condition. Last evaluated: 2019-08-21. Review status: no assertion criteria provided. Collection method: clinical testing. Allele origin: germline. Not counted in ClinVar's aggregate classification.
Comment: This variant is classified as likely benign based on ACMG/AMP sequence variant interpretation guidelines (Richards et al. 2015 PMID: 25741868, with internal and published modifications).